The following is an entry in ClinVar:

NM_005732.4(RAD50):c.2386G>C (p.Glu796Gln)

Gene: RAD50 (RAD50 double strand break repair protein; plus strand). Cytogenetic location: 5q31.1.
Variant type: single nucleotide variant.
Coding change: c.2386G>C on transcript NM_005732.4 (MANE Select); coding-DNA position 2386, G replaced by C.
Protein change: p.Glu796Gln; replaces glutamic acid 796 with glutamine.
Molecular consequence: missense variant.
Genome position (GRCh38, 1-based): chr5:132,603,478, G>C. VCF-style: chr5-132603478-G-C. GRCh37 (hg19) VCF-style: chr5-131939170-G-C.
Other names: short protein forms E796Q.
Identifiers: ClinVar variation 2451432 (VCV002451432.2), dbSNP rs876658213, ClinGen allele CA360955077.

ClinVar aggregate classification (germline): Uncertain significance (1 of 4 stars; one submission).

Conditions:
Hereditary cancer-predisposing syndrome. Also called: Neoplastic Syndromes, Hereditary; Tumor predisposition; Hereditary neoplastic syndrome; Hereditary Cancer Syndrome. Identifiers: Orphanet 140162, MedGen C0027672, MeSH D009386, MONDO:0015356.

Submission:

Ambry Genetics
Classification: Uncertain significance for Hereditary cancer-predisposing syndrome. Last evaluated: 2023-02-23. Review status: criteria provided, single submitter. Criteria: Ambry Variant Classification Scheme 2023. Collection method: clinical testing. Allele origin: germline.
Comment: The p.E796Q variant (also known as c.2386G>C), located in coding exon 14 of the RAD50 gene, results from a G to C substitution at nucleotide position 2386. The glutamic acid at codon 796 is replaced by glutamine, an amino acid with highly similar properties. This amino acid position is conserved. In addition, this alteration is predicted to be tolerated by in silico analysis. Since supporting evidence is limited at this time, the clinical significance of this alteration remains unclear.